The following is an entry in ClinVar:

NM_015340.4(LARS2):c.2203G>A (p.Val735Ile)

Gene: LARS2 (leucyl-tRNA synthetase 2, mitochondrial; plus strand). Cytogenetic location: 3p21.31.
Variant type: single nucleotide variant.
Coding change: c.2203G>A on transcript NM_015340.4 (MANE Select); coding-DNA position 2203, G replaced by A.
Protein change: p.Val735Ile; replaces valine 735 with isoleucine.
Molecular consequence: missense variant.
Genome position (GRCh38, 1-based): chr3:45,518,061, G>A. VCF-style: chr3-45518061-G-A. GRCh37 (hg19) VCF-style: chr3-45559553-G-A.
Other names: c.2203G>A, p.Val735Ile (NM_001368263.1); short protein forms V735I.
Identifiers: ClinVar variation 500586 (VCV000500586.20), dbSNP rs141011840, ClinGen allele CA2349799.

ClinVar aggregate classification (germline): Conflicting classifications of pathogenicity. Review status: criteria provided, conflicting classifications (1 of 4 stars). 6 submissions from 6 submitters: Uncertain significance (4); Likely benign (2). Last evaluated 2026-04-29.

Conditions:
Inborn genetic diseases. Identifiers: MedGen C0950123, MeSH D030342.
LARS2-related disorder. Also called: LARS2-related condition.

Allele frequency attached by ClinVar (database versions not stated): gnomAD exomes 0.00007 and 0.00011; ExAC 0.00014; 1000 Genomes Project 30x 0.00016; 1000 Genomes Project 0.00020; ESP Exome Variant Server 0.00031; gnomAD 0.00040 and 0.00045; TOPMed 0.00040.
gnomAD v4.1: 168 of 1,611,762 alleles (0.01%); highest among the groups gnomAD compares: African/African-American, 0.11%; 1 homozygote.

Submissions (6):

PreventionGenetics, part of Exact Sciences
Classification: Uncertain significance for LARS2-related condition. Last evaluated: 2026-04-29. Review status: criteria provided, single submitter. Criteria: ACMG Guidelines, 2015. Collection method: clinical testing. Allele origin: germline.
Comment: The LARS2 c.2203G>A variant is predicted to result in the amino acid substitution p.Val735Ile. To our knowledge, this variant has not been reported in the literature. This variant is reported in 0.12% of alleles in individuals of African descent in gnomAD. Although we suspect that this variant may be benign, at this time, the clinical significance of this variant is uncertain due to the absence of conclusive functional and genetic evidence.

GeneDx
Classification: Uncertain significance. Last evaluated: 2024-11-01. Review status: criteria provided, single submitter. Criteria: GeneDx Variant Classification Process June 2021. Collection method: clinical testing. Allele origin: germline. Affected: yes.
Comment: In silico analysis indicates that this missense variant does not alter protein structure/function; Has not been previously published as pathogenic or benign to our knowledge

Labcorp Genetics (formerly Invitae), Labcorp
Classification: Uncertain significance. Last evaluated: 2022-06-15. Review status: criteria provided, single submitter. Criteria: Invitae Variant Classification Sherloc (09022015). Collection method: clinical testing. Allele origin: germline.
Comment: This sequence change replaces valine, which is neutral and non-polar, with isoleucine, which is neutral and non-polar, at codon 735 of the LARS2 protein (p.Val735Ile). This variant is present in population databases (rs141011840, gnomAD 0.1%). This variant has not been reported in the literature in individuals affected with LARS2-related conditions. ClinVar contains an entry for this variant (Variation ID: 500586). Algorithms developed to predict the effect of missense changes on protein structure and function output the following: SIFT: "Tolerated"; PolyPhen-2: "Benign"; Align-GVGD: "Class C0". The isoleucine amino acid residue is found in multiple mammalian species, which suggests that this missense change does not adversely affect protein function. In summary, the available evidence is currently insufficient to determine the role of this variant in disease. Therefore, it has been classified as a Variant of Uncertain Significance.

Ambry Genetics
Classification: Likely benign for Inborn genetic diseases. Last evaluated: 2021-08-02. Review status: criteria provided, single submitter. Criteria: Ambry Variant Classification Scheme 2023. Collection method: clinical testing. Allele origin: germline.

Laboratory for Molecular Medicine, Mass General Brigham Personalized Medicine
Classification: Likely benign. Last evaluated: 2020-09-28. Review status: criteria provided, single submitter. Criteria: LMM Criteria. Collection method: clinical testing. Allele origin: germline. Observed: 1 variant allele.
Comment: The p.Val735Ile variant in LARS2 is classified as likely benign due to a lack of conservation across species. Twelve mammals (rhesus, baboon, crab-eating macaque, alpaca, dolphin, killer whale, David's myotis, microbat, big brown bat, opossum, Tasmanian devil, wallaby) carry a isoleucine (Ile) at this position despite high nearby amino acid conservation. It has also been identified in 0.1% (30/24904) of African chromosomes by gnomAD. ACMG/AMP Criteria applied: BP4_Strong, BS1_Supporting.

Eurofins Ntd Llc (ga)
Classification: Uncertain significance. Last evaluated: 2017-02-24. Review status: criteria provided, single submitter. Criteria: EGL Classification Definitions 2015. Collection method: clinical testing. Allele origin: germline. Observed: 3 variant alleles, 3 heterozygotes.